The following is an entry in ClinVar:

NM_000059.4(BRCA2):c.2364C>T (p.Gly788=)

Gene: BRCA2 (BRCA2 DNA repair associated; plus strand). Cytogenetic location: 13q13.1.
Variant type: single nucleotide variant.
Coding change: c.2364C>T on transcript NM_000059.4 (MANE Select); coding-DNA position 2364, C replaced by T.
Protein change: p.Gly788=; no amino-acid change (glycine 788 retained).
Molecular consequence: synonymous variant.
Genome position (GRCh38, 1-based): chr13:32,336,719, C>T. VCF-style: chr13-32336719-C-T. GRCh37 (hg19) VCF-style: chr13-32910856-C-T.
Identifiers: ClinVar variation 427481 (VCV000427481.30), dbSNP rs773035582, ClinGen allele CA6940600.
Genomic context (GRCh38, chr13:32,336,719, plus strand): 5'-TCTTATTTTAACTCCTACTTCCAAGGATGTTCTGTCAAACCTAGTCATGATTTCTAGAGG[C>T]AAAGAATCATACAAAATGTCAGACAAGCTCAAAGGTAACAATTATGAATCTGATGTTGAA-3'
Protein context (NP_000050.3, residues 778-798): VLSNLVMISR[Gly788=]KESYKMSDKL

ClinVar aggregate classification (germline): Likely benign. Review status: reviewed by expert panel (3 of 4 stars). 12 submissions from 12 submitters: Likely benign (1). 11 of the submissions do not count toward it. Last evaluated 2017-06-29.

Conditions:
BRCA2-related cancer predisposition. Identifiers: MedGen CN377758, MONDO:0700269.
Hereditary cancer-predisposing syndrome. Also called: Hereditary neoplastic syndrome; Neoplastic Syndromes, Hereditary; Hereditary Cancer Syndrome; Tumor predisposition. Identifiers: Orphanet 140162, MedGen C0027672, MeSH D009386, MONDO:0015356.
Hereditary breast ovarian cancer syndrome. Also called: Hereditary breast and ovarian cancer syndrome; Breast and ovarian cancer; BRCA1- and BRCA2-Associated Hereditary Breast and Ovarian Cancer; Hereditary breast and ovarian cancer syndrome (HBOC); Hereditary breast and/or ovarian cancer syndrome; Hereditary breast and ovarian cancer. Identifiers: Orphanet 145, MedGen C0677776, MeSH D061325, MONDO:0003582. Disease mechanism: loss of function.
Breast-ovarian cancer, familial, susceptibility to, 2 (BROVCA2). Also called: BRCA2 Hereditary Breast and Ovarian Cancer. Identifiers: Orphanet 145, MedGen C2675520, MONDO:0012933, OMIM 612555. Disease mechanism: loss of function.

Allele frequency attached by ClinVar (database versions not stated): gnomAD exomes below 0.00001 and 0.00001; gnomAD 0.00001; ExAC 0.00002.

Submissions (12):

Evidence-based Network for the Interpretation of Germline Mutant Alleles (ENIGMA)
Classification: Likely benign for Breast-ovarian cancer, familial, susceptibility to, 2. Last evaluated: 2017-06-29. Review status: reviewed by expert panel. Criteria: ENIGMA BRCA1/2 Classification Criteria (2017-06-29). Collection method: curation. Allele origin: germline.
Comment: Synonymous substitution variant, with low bioinformatic likelihood to result in a splicing aberration (Splicing prior probability 0.02).

CeGaT Center for Human Genetics Tuebingen
Classification: Likely benign. Last evaluated: 2026-09-01. Review status: criteria provided, single submitter. Criteria: CeGaT Center For Human Genetics Tuebingen Variant Classification Criteria Version 2. Collection method: clinical testing. Allele origin: germline. Affected: yes. Observed: 1 variant allele. Not counted in ClinVar's aggregate classification.
Comment: BRCA2: BP4, BP7

Center for Genomic Medicine, Rigshospitalet, Copenhagen University Hospital
Classification: Likely benign. Last evaluated: 2025-12-29. Review status: criteria provided, single submitter. Criteria: ACMG Guidelines, 2015. Collection method: clinical testing. Allele origin: germline. Not counted in ClinVar's aggregate classification.

Labcorp Genetics (formerly Invitae), Labcorp
Classification: Likely benign for Hereditary breast ovarian cancer syndrome. Last evaluated: 2025-10-06. Review status: criteria provided, single submitter. Criteria: Invitae Variant Classification Sherloc (09022015). Collection method: clinical testing. Allele origin: germline. Not counted in ClinVar's aggregate classification.

Quest Diagnostics Nichols Institute San Juan Capistrano
Classification: Likely benign. Last evaluated: 2024-12-24. Review status: criteria provided, single submitter. Criteria: Quest Diagnostics criteria. Collection method: clinical testing. Allele origin: unknown. Not counted in ClinVar's aggregate classification.

All of Us Research Program, National Institutes of Health
Classification: Likely benign for BRCA2-related cancer predisposition. Last evaluated: 2024-05-14. Review status: criteria provided, single submitter. Criteria: ACMG Guidelines, 2015. Collection method: clinical testing. Allele origin: germline. Inheritance: Autosomal dominant inheritance. Observed: 1 variant allele, 1 heterozygote. Not counted in ClinVar's aggregate classification.
Comment: This study involves interpretation of variants in research participants for the purpose of population health screening. Participant phenotype was not available at the time of variant classification. Additional details can be found in publication PMID: 35346344, PMCID: PMC8962531

German Consortium for Hereditary Breast and Ovarian Cancer, University Hospital Cologne
Classification: Benign for Hereditary breast ovarian cancer syndrome. Last evaluated: 2023-10-18. Review status: criteria provided, single submitter. Criteria: ACMG Guidelines, 2015. Collection method: curation. Allele origin: germline. Not counted in ClinVar's aggregate classification.
Comment: Silent variant outside of (potentially) functional domain (Coldspot variant, ENIGMA ClinGen ACMG Criteria) splice prediction negative (spliceAI score 0.03). cDNA analysis of blood derived RNA revealed biallelic expression of variant in Exon 11. BP1_strong, BP7_strong (RNA). According to the ACMG standard criteria we chose these criteria: BP1 (strong benign): Silent variant outside of (potentially) functional domain (Coldspot variant, ENIGMA ClinGen ACMG Criteria) splice prediction negative (spliceAI score 0.03)., BP7 (strong benign): cDNA analysis of blood derived RNA revealed biallelic expression of variant in Exon 11

ARUP Laboratories, Molecular Genetics and Genomics, ARUP Laboratories
Classification: Likely benign. Last evaluated: 2023-09-11. Review status: criteria provided, single submitter. Criteria: ARUP Molecular Germline Variant Investigation Process 2024. Collection method: clinical testing. Allele origin: germline. Not counted in ClinVar's aggregate classification.

Color Diagnostics, LLC DBA Color Health
Classification: Likely benign for Hereditary cancer-predisposing syndrome. Last evaluated: 2018-11-06. Review status: criteria provided, single submitter. Criteria: ACMG Guidelines, 2015. Collection method: clinical testing. Allele origin: germline. Not counted in ClinVar's aggregate classification.

Ambry Genetics
Classification: Likely benign for Hereditary cancer-predisposing syndrome. Last evaluated: 2016-03-02. Review status: criteria provided, single submitter. Criteria: Ambry Variant Classification Scheme 2023. Collection method: clinical testing. Allele origin: germline. Not counted in ClinVar's aggregate classification.

Joint Genome Diagnostic Labs from Nijmegen and Maastricht, Radboudumc and MUMC+
Classification: Likely benign. Review status: no assertion criteria provided. Collection method: clinical testing. Allele origin: germline. Affected: yes. Study: VKGL Data-share Consensus. Not counted in ClinVar's aggregate classification.

Laboratory of Diagnostic Genome Analysis, Leiden University Medical Center (LUMC)
Classification: Likely benign. Review status: no assertion criteria provided. Collection method: clinical testing. Allele origin: germline. Affected: yes. Study: VKGL Data-share Consensus. Not counted in ClinVar's aggregate classification.